The following is an entry in ClinVar:

NM_018124.4(RFWD3):c.560C>A (p.Thr187Asn)

Gene: RFWD3 (ring finger and WD repeat domain 3; minus strand). Cytogenetic location: 16q23.1.
Variant type: single nucleotide variant.
Coding change: c.560C>A on transcript NM_018124.4 (MANE Select); coding-DNA position 560, C replaced by A.
Protein change: p.Thr187Asn; replaces threonine 187 with asparagine.
Molecular consequence: missense variant. On other transcripts: 5 prime UTR variant (4), intron variant (1).
Genome position (GRCh38, 1-based): chr16:74,652,081, G>T on the plus strand (C>A on the coding strand, the complement: RFWD3 is on the minus strand). VCF-style: chr16-74652081-G-T. GRCh37 (hg19) VCF-style: chr16-74685979-G-T.
Other names: c.560C>A (NM_018124.3); c.560C>A, p.Thr187Asn (NM_001370534.1, NM_001370535.1, NM_001370536.1); c.-449C>A (NM_001370537.1); c.-275C>A (NM_001370540.1); c.-326C>A (NM_001370542.1); c.-204C>A (NM_001370543.1); c.-113-2879C>A (NM_001370539.1); short protein forms T187N.
Identifiers: ClinVar variation 2053942 (VCV002053942.7), dbSNP rs148545931, ClinGen allele CA8169521.

ClinVar aggregate classification (germline): Conflicting classifications of pathogenicity. Review status: criteria provided, conflicting classifications (1 of 4 stars). 3 submissions from 3 submitters: Uncertain significance (1); Benign (1). 1 of the submissions does not count toward it. Last evaluated 2026-01-14.

Conditions:
RFWD3-related disorder. Also called: RFWD3-related condition.

Allele frequency attached by ClinVar (database versions not stated): ESP Exome Variant Server 0.00038; gnomAD 0.00038; ExAC 0.00039; TOPMed 0.00055.
gnomAD v4.1: 524 of 1,614,070 alleles (0.032%); highest among the groups gnomAD compares: Middle Eastern, 0.15%; 2 homozygotes.

Submissions (3):

Labcorp Genetics (formerly Invitae), Labcorp
Classification: Benign. Last evaluated: 2026-01-14. Review status: criteria provided, single submitter. Criteria: Invitae Variant Classification Sherloc (09022015). Collection method: clinical testing. Allele origin: germline.

Ambry Genetics
Classification: Uncertain significance. Last evaluated: 2023-12-16. Review status: criteria provided, single submitter. Criteria: Ambry Variant Classification Scheme 2023. Collection method: clinical testing. Allele origin: germline.

PreventionGenetics, part of Exact Sciences
Classification: Likely benign for RFWD3-related condition. Last evaluated: 2019-06-18. Review status: no assertion criteria provided. Collection method: clinical testing. Allele origin: germline. Not counted in ClinVar's aggregate classification.
Comment: This variant is classified as likely benign based on ACMG/AMP sequence variant interpretation guidelines (Richards et al. 2015 PMID: 25741868, with internal and published modifications).